The following is an entry in ClinVar:

NM_000814.6(GABRB3):c.357C>T (p.Pro119=)

Gene: GABRB3 (gamma-aminobutyric acid type A receptor subunit beta3; minus strand). Cytogenetic location: 15q12.
Variant type: single nucleotide variant.
Coding change: c.357C>T on transcript NM_000814.6 (MANE Select); coding-DNA position 357, C replaced by T.
Protein change: p.Pro119=; no amino-acid change (proline 119 retained).
Molecular consequence: synonymous variant. On other transcripts: non-coding transcript variant (1).
Genome position (GRCh38, 1-based): chr15:26,621,418, G>A on the plus strand (C>T on the coding strand, the complement: GABRB3 is on the minus strand). VCF-style: chr15-26621418-G-A. GRCh37 (hg19) VCF-style: chr15-26866565-G-A.
Other names: c.102C>T, p.Pro34= (NM_001191320.2, NM_001278631.2); c.144C>T, p.Pro48= (NM_001191321.3); c.357C>T, p.Pro119= (NM_021912.5).
Identifiers: ClinVar variation 511868 (VCV000511868.12), dbSNP rs370237352, ClinGen allele CA7437462.

ClinVar aggregate classification (germline): Likely benign. Review status: criteria provided, multiple submitters, no conflicts (2 of 4 stars). 2 submissions from 2 submitters: Likely benign (2). Last evaluated 2026-01-09.

Conditions:
Epilepsy, childhood absence, susceptibility to, 1. Also called: Epilepsy, childhood absence 1. Identifiers: Orphanet 64280, MedGen C1838604, MONDO:0020759, OMIM 600131.
Epilepsy, childhood absence, susceptibility to, 5. Identifiers: Orphanet 64280, MedGen C2677087, MONDO:0012843, OMIM 612269.

Allele frequency attached by ClinVar (database versions not stated): gnomAD 0.00006; ExAC 0.00007; ESP Exome Variant Server 0.00008; TOPMed 0.00013; 1000 Genomes Project 0.00020; 1000 Genomes Project 30x 0.00031.
gnomAD v4.1: 44 of 1,614,040 alleles (0.0027%); highest among the groups gnomAD compares: African/African-American, 0.024%; no homozygotes.

Submissions (2):

Labcorp Genetics (formerly Invitae), Labcorp
Classification: Likely benign for Epilepsy, childhood absence, susceptibility to, 5; Epilepsy, childhood absence, susceptibility to, 1. Last evaluated: 2026-01-09. Review status: criteria provided, single submitter. Criteria: Invitae Variant Classification Sherloc (09022015). Collection method: clinical testing. Allele origin: germline.

GeneDx
Classification: Likely benign. Last evaluated: 2017-09-01. Review status: criteria provided, single submitter. Criteria: GeneDx Variant Classification (06012015). Collection method: clinical testing. Allele origin: germline. Affected: yes.
Comment: This variant is considered likely benign or benign based on one or more of the following criteria: it is a conservative change, it occurs at a poorly conserved position in the protein, it is predicted to be benign by multiple in silico algorithms, and/or has population frequency not consistent with disease.